The following is an entry in ClinVar:

NM_002838.5(PTPRC):c.3404A>C (p.Lys1135Thr)

Gene: PTPRC (protein tyrosine phosphatase receptor type C; plus strand). Cytogenetic location: 1q32.1.
Variant type: single nucleotide variant.
Coding change: c.3404A>C on transcript NM_002838.5 (MANE Select); coding-DNA position 3404, A replaced by C.
Protein change: p.Lys1135Thr; replaces lysine 1135 with threonine.
Molecular consequence: missense variant.
Genome position (GRCh38, 1-based): chr1:198,752,667, A>C. VCF-style: chr1-198752667-A-C. GRCh37 (hg19) VCF-style: chr1-198721796-A-C.
Other names: c.2921A>C, p.Lys974Thr (NM_080921.4); c.3398A>C (NM_002838.3); short protein forms K1135T, K974T.
Identifiers: ClinVar variation 568894 (VCV000568894.12), dbSNP rs369268728, ClinGen allele CA1315439.

ClinVar aggregate classification (germline): Uncertain significance. Review status: criteria provided, multiple submitters, no conflicts (2 of 4 stars). 4 submissions from 4 submitters: Uncertain significance (4). Last evaluated 2026-02-12.

Conditions:
Inborn genetic diseases. Identifiers: MedGen C0950123, MeSH D030342.
Immunodeficiency 104. Also called: Severe combined immunodeficiency, autosomal recessive, T cell-negative, B cell-positive, NK cell-positive; Severe Combined Immune Deficiency, Autosomal Recessive, TCell -Negative, B Cell-Positive, NK Cell-Positive, IL7R-Related; SCID, AUTOSOMAL RECESSIVE, T CELL-NEGATIVE, B CELL-POSITIVE, NK CELL-POSITIVE; IMMUNODEFICIENCY 104, SEVERE COMBINED. Identifiers: MedGen C5676890, MONDO:0012163, OMIM 608971.

Allele frequency attached by ClinVar (database versions not stated): gnomAD exomes 0.00007; ESP Exome Variant Server 0.00008; gnomAD 0.00008 and 0.00009; TOPMed 0.00009; ExAC 0.00010; 1000 Genomes Project 30x 0.00031.

Submissions (4):

Women's Health and Genetics/Laboratory Corporation of America, LabCorp
Classification: Uncertain significance. Last evaluated: 2026-02-12. Review status: criteria provided, single submitter. Criteria: LabCorp Variant Classification Summary - May 2015. Collection method: clinical testing. Allele origin: germline.
Comment: Variant summary: PTPRC c.3404A>C (p.Lys1135Thr) results in a non-conservative amino acid change in the encoded protein sequence. Algorithms developed to predict the effect of missense changes on protein structure and function all suggest that this variant is likely to be disruptive. The variant allele was found at a frequency of 7.2e-05 in 250342 control chromosomes. This frequency is not significantly higher than estimated for disease-causing variants in PTPRC, allowing no conclusion about variant significance. To our knowledge, no occurrence of c.3404A>C in individuals affected with PTPRC-related conditions and no experimental evidence demonstrating its impact on protein function have been reported. ClinVar contains an entry for this variant (Variation ID: 568894). Based on the evidence outlined above, the variant was classified as uncertain significance.

Blueprint Genetics
Classification: Uncertain significance. Last evaluated: 2024-10-22. Review status: criteria provided, single submitter. Criteria: ACMG Guidelines, 2015. Collection method: clinical testing. Allele origin: germline.

Labcorp Genetics (formerly Invitae), Labcorp
Classification: Uncertain significance for Immunodeficiency 104. Last evaluated: 2022-08-31. Review status: criteria provided, single submitter. Criteria: Invitae Variant Classification Sherloc (09022015). Collection method: clinical testing. Allele origin: germline.
Comment: This sequence change replaces lysine, which is basic and polar, with threonine, which is neutral and polar, at codon 1135 of the PTPRC protein (p.Lys1135Thr). This variant is present in population databases (rs369268728, gnomAD 0.01%). This variant has not been reported in the literature in individuals affected with PTPRC-related conditions. ClinVar contains an entry for this variant (Variation ID: 568894). Algorithms developed to predict the effect of missense changes on protein structure and function (SIFT, PolyPhen-2, Align-GVGD) all suggest that this variant is likely to be disruptive. In summary, the available evidence is currently insufficient to determine the role of this variant in disease. Therefore, it has been classified as a Variant of Uncertain Significance.

Ambry Genetics
Classification: Uncertain significance for Inborn genetic diseases. Last evaluated: 2022-06-29. Review status: criteria provided, single submitter. Criteria: Ambry Variant Classification Scheme 2023. Collection method: clinical testing. Allele origin: germline.